The following is an entry in ClinVar:

NM_152383.5(DIS3L2):c.2203C>G (p.Gln735Glu)

Gene: DIS3L2 (DIS3 like 3'-5' exoribonuclease 2; plus strand). Cytogenetic location: 2q37.1.
Variant type: single nucleotide variant.
Coding change: c.2203C>G on transcript NM_152383.5 (MANE Select); coding-DNA position 2203, C replaced by G.
Protein change: p.Gln735Glu; replaces glutamine 735 with glutamic acid.
Molecular consequence: missense variant. On other transcripts: non-coding transcript variant (2), intron variant (1).
Genome position (GRCh38, 1-based): chr2:232,334,413, C>G. VCF-style: chr2-232334413-C-G. GRCh37 (hg19) VCF-style: chr2-233199123-C-G.
Other names: c.1582-8932C>G (NM_001257281.2); short protein forms Q735E.
Identifiers: ClinVar variation 1951945 (VCV001951945.5), dbSNP rs2469448425, ClinGen allele CA350977702.

ClinVar aggregate classification (germline): Uncertain significance (1 of 4 stars; one submission).

Conditions:
Perlman syndrome (PRLMNS). Identifiers: Orphanet 2849, MedGen C0796113, MONDO:0009965, OMIM 267000.

Submission:

Labcorp Genetics (formerly Invitae), Labcorp
Classification: Uncertain significance for Perlman syndrome. Last evaluated: 2022-05-03. Review status: criteria provided, single submitter. Criteria: Invitae Variant Classification Sherloc (09022015). Collection method: clinical testing. Allele origin: germline.
Comment: In summary, the available evidence is currently insufficient to determine the role of this variant in disease. Therefore, it has been classified as a Variant of Uncertain Significance. Algorithms developed to predict the effect of missense changes on protein structure and function are either unavailable or do not agree on the potential impact of this missense change (SIFT: "Deleterious"; PolyPhen-2: "Benign"; Align-GVGD: "Class C0"). This variant has not been reported in the literature in individuals affected with DIS3L2-related conditions. This variant is not present in population databases (gnomAD no frequency). This sequence change replaces glutamine, which is neutral and polar, with glutamic acid, which is acidic and polar, at codon 735 of the DIS3L2 protein (p.Gln735Glu).